The following is an entry in ClinVar:

ClinVar aggregate classification (germline): Uncertain significance. Review status: criteria provided, multiple submitters, no conflicts (2 of 4 stars). 3 submissions from 3 submitters: Uncertain significance (2). 1 of the submissions does not count toward it. Last evaluated 2024-02-21.

Conditions:
Congenital diaphragmatic hernia. Also called: DIH; Congenital diaphragmatic defect; Unilateral agenesis of diaphragm; Agenesis of hemidiaphragm. Identifiers: Orphanet 2140, MedGen C0235833, MeSH D065630, MONDO:0005711, HP:0000776.
Fraser syndrome 1 (FRASRS1). Also called: CRYPTOPHTHALMOS WITH OTHER MALFORMATIONS. Identifiers: Orphanet 2052, MedGen C4551480, MONDO:0054737, OMIM 219000.
FRAS1-related disorder. Also called: FRAS1-related condition.

Allele frequency attached by ClinVar (database versions not stated): ExAC 0.00002; gnomAD exomes 0.00002 and 0.00003; gnomAD 0.00003 and 0.00004; TOPMed 0.00004; ESP Exome Variant Server 0.00008.
gnomAD v4.1: 36 of 1,613,812 alleles (0.0022%); highest among the groups gnomAD compares: Non-Finnish European, 0.0029%; no homozygotes.

Submissions (3):

Fulgent Genetics
Classification: Uncertain significance for Fraser syndrome 1. Last evaluated: 2024-02-21. Review status: criteria provided, single submitter. Criteria: ACMG Guidelines, 2015. Collection method: clinical testing. Allele origin: germline.

PreventionGenetics, part of Exact Sciences
Classification: Uncertain significance for FRAS1-related condition. Last evaluated: 2023-08-24. Review status: criteria provided, single submitter. Criteria: ACMG Guidelines, 2015. Collection method: clinical testing. Allele origin: germline.
Comment: The FRAS1 c.2389G>A variant is predicted to result in the amino acid substitution p.Glu797Lys. This variant has been reported in an individual with congenital diaphragmatic hernia that harbored variants in other genes (Table 1 and 2, Jordan et al. 2018. PubMed ID: 29618029). This variant is reported in 0.0065% of alleles in individuals of African descent in gnomAD. At this time, the clinical significance of this variant is uncertain due to the absence of conclusive functional and genetic evidence.

Daryl Scott Lab, Baylor College of Medicine
Classification: risk factor for Congenital diaphragmatic hernia. Last evaluated: 2016-11-09. Review status: no assertion criteria provided. Collection method: research. Allele origin: inherited. Affected: yes. Observed: 1 heterozygote. Not counted in ClinVar's aggregate classification.

NM_025074.7(FRAS1):c.2389G>A (p.Glu797Lys)

Gene: FRAS1 (Fraser extracellular matrix complex subunit 1; plus strand). Cytogenetic location: 4q21.21.
Variant type: single nucleotide variant.
Coding change: c.2389G>A on transcript NM_025074.7 (MANE Select); coding-DNA position 2389, G replaced by A.
Protein change: p.Glu797Lys; replaces glutamic acid 797 with lysine.
Molecular consequence: missense variant.
Genome position (GRCh38, 1-based): chr4:78,337,784, G>A. VCF-style: chr4-78337784-G-A. GRCh37 (hg19) VCF-style: chr4-79258938-G-A.
Other names: c.2389G>A, p.Glu797Lys (NM_001166133.2); short protein forms E797K.
Identifiers: ClinVar variation 369975 (VCV000369975.3), dbSNP rs372359356, ClinGen allele CA2976621.